The following is an entry in ClinVar:

ClinVar aggregate classification (germline): Uncertain significance (1 of 4 stars; one submission).

Submission:

Ambry Genetics
Classification: Uncertain significance. Last evaluated: 2022-10-11. Review status: criteria provided, single submitter. Criteria: Ambry Variant Classification Scheme 2023. Collection method: clinical testing. Allele origin: germline.
Comment: The p.H624P variant (also known as c.1871A>C), located in coding exon 13 of the NPAT gene, results from an A to C substitution at nucleotide position 1871. The histidine at codon 624 is replaced by proline, an amino acid with similar properties. This amino acid position is conserved. In addition, this alteration is predicted to be tolerated by in silico analysis. Since supporting evidence is limited at this time, the clinical significance of this alteration remains unclear.

NM_002519.3(NPAT):c.1871A>C (p.His624Pro)

Gene: NPAT (nuclear protein, coactivator of histone transcription; minus strand). Cytogenetic location: 11q22.3.
Variant type: single nucleotide variant.
Coding change: c.1871A>C on transcript NM_002519.3 (MANE Select); coding-DNA position 1871, A replaced by C.
Protein change: p.His624Pro; replaces histidine 624 with proline.
Molecular consequence: missense variant.
Genome position (GRCh38, 1-based): chr11:108,173,113, T>G on the plus strand (A>C on the coding strand, the complement: NPAT is on the minus strand). VCF-style: chr11-108173113-T-G. GRCh37 (hg19) VCF-style: chr11-108043840-T-G.
Other names: c.1871A>C, p.His624Pro (NM_001321307.1); short protein forms H624P.
Identifiers: ClinVar variation 1781692 (VCV001781692.2), dbSNP rs2496719609, ClinGen allele CA382514174.